The following is an entry in ClinVar:

ClinVar aggregate classification (germline): Likely pathogenic. Review status: criteria provided, single submitter (1 of 4 stars). 2 submissions from 2 submitters: Likely pathogenic (1). 1 of the submissions does not count toward it. Last evaluated 2022-08-12.

Conditions:
Anemia, nonspherocytic hemolytic, due to G6PD deficiency (CNSHA1). Also called: Class I glucose-6-phosphate dehydrogenase deficiency; Favism, susceptibility to; ANEMIA, CONGENITAL, NONSPHEROCYTIC HEMOLYTIC, 1; Hemolytic anemia due to G6PD deficiency. Identifiers: Orphanet 466026, MedGen C2720289, MONDO:0010480, OMIM 300908.
Malaria, susceptibility to. Identifiers: Orphanet 673, MedGen C1970028, MONDO:0021024, OMIM 611162.

Submissions (2):

Dunham Lab, University of Washington
Classification: Likely pathogenic for Anemia, nonspherocytic hemolytic, due to G6PD deficiency. Last evaluated: 2022-08-12. Review status: criteria provided, single submitter. Criteria: Bayesian ACMG Guidelines, 2018. Collection method: curation. Allele origin: unknown. Affected: yes.
Comment: Decreased activity in red blood cells (PS3). Not found in gnomAD (PM2). Post_P 0.949 (odds of pathogenicity 168.4, Prior_P 0.1).

Department of Hematology, Zigong First People's Hospital
Classification: Pathogenic for Malaria, susceptibility to. Last evaluated: 2021-08-12. Review status: no assertion criteria provided. Collection method: clinical testing. Allele origin: maternal. Inheritance: X-linked inheritance. Affected: yes. Not counted in ClinVar's aggregate classification.
Comment: Glucose 6-phosphate dehydrogenase (G6PD) deficiency is the most common human enzyme defect, present in over 400 million people worldwide (Frank, 2005; Cappellini & Fiorelli, 2008). It is an X-linked hereditary genetic defect caused by mutations in the G6PD gene. About 140 variants have been described worldwide (Cappellini & Fiorelli, 2008). These variants can be grouped into five classes according to their level of residual enzyme activity and of phenotypes (Betke et al, 1967; Fiorelli et al, 2000; Cappellini & Fiorelli, 2008). Investigations revealed a low G6PD level,. A persistent reticulocytosis of 10% and an elevated bilirubin ranging from 54.2 to 350 umol/l confirmed a diagnosis of congenital non- spherocytic haemolytic disorder.

Literature cited by the submitters: Report SCV001781551.1 to ClinVar (cited by Dunham Lab, University of Washington).

NM_001360016.2(G6PD):c.1315C>T (p.Arg439Cys)

Gene: G6PD (glucose-6-phosphate dehydrogenase; minus strand). Cytogenetic location: Xq28.
Variant type: single nucleotide variant.
Coding change: c.1315C>T on transcript NM_001360016.2 (MANE Select); coding-DNA position 1315, C replaced by T.
Protein change: p.Arg439Cys; replaces arginine 439 with cysteine.
Molecular consequence: missense variant.
Genome position (GRCh38, 1-based): chrX:154,532,435, G>A on the plus strand (C>T on the coding strand, the complement: G6PD is on the minus strand). VCF-style: chrX-154532435-G-A. GRCh37 (hg19) VCF-style: chrX-153760650-G-A.
Other names: c.1405C>T, p.Arg469Cys (NM_000402.4); c.1315C>T, p.Arg439Cys (NM_001042351.3); c.1315C>T (NM_001042351.1); short protein forms R439C, R469C.
Identifiers: ClinVar variation 1206418 (VCV001206418.4), dbSNP rs2148328604, ClinGen allele CA415233725.